The following is an entry in ClinVar:

ClinVar aggregate classification (germline): Uncertain significance (1 of 4 stars; one submission).

Submission:

Labcorp Genetics (formerly Invitae), Labcorp
Classification: Uncertain significance. Last evaluated: 2025-11-02. Review status: criteria provided, single submitter. Criteria: Invitae Variant Classification Sherloc (09022015). Collection method: clinical testing. Allele origin: germline.
Comment: This sequence change replaces histidine, which is basic and polar, with arginine, which is basic and polar, at codon 1440 of the POLE protein (p.His1440Arg). This variant is not present in population databases (gnomAD no frequency). This variant has not been reported in the literature in individuals affected with POLE-related conditions. ClinVar contains an entry for this variant (Variation ID: 540765). Invitae Evidence Modeling of protein sequence and biophysical properties (such as structural, functional, and spatial information, amino acid conservation, physicochemical variation, residue mobility, and thermodynamic stability) indicates that this missense variant is not expected to disrupt POLE protein function with a negative predictive value of 80%. In summary, the available evidence is currently insufficient to determine the role of this variant in disease. Therefore, it has been classified as a Variant of Uncertain Significance.

NM_006231.4(POLE):c.4319A>G (p.His1440Arg)

Gene: POLE (DNA polymerase epsilon, catalytic subunit; minus strand). Cytogenetic location: 12q24.33.
Variant type: single nucleotide variant.
Coding change: c.4319A>G on transcript NM_006231.4 (MANE Select); coding-DNA position 4319, A replaced by G.
Protein change: p.His1440Arg; replaces histidine 1440 with arginine.
Molecular consequence: missense variant.
Genome position (GRCh38, 1-based): chr12:132,643,532, T>C on the plus strand (A>G on the coding strand, the complement: POLE is on the minus strand). VCF-style: chr12-132643532-T-C. GRCh37 (hg19) VCF-style: chr12-133220118-T-C.
Other names: short protein forms H1440R.
Identifiers: ClinVar variation 540765 (VCV000540765.10), dbSNP rs1555223013, ClinGen allele CA387381503.